The following is an entry in ClinVar:

NM_000709.4(BCKDHA):c.508C>T (p.Pro170Ser)

Gene: BCKDHA (branched chain keto acid dehydrogenase E1 subunit alpha; plus strand). Cytogenetic location: 19q13.2.
Variant type: single nucleotide variant.
Coding change: c.508C>T on transcript NM_000709.4 (MANE Select); coding-DNA position 508, C replaced by T.
Protein change: p.Pro170Ser; replaces proline 170 with serine.
Molecular consequence: missense variant.
Genome position (GRCh38, 1-based): chr19:41,419,158, C>T. VCF-style: chr19-41419158-C-T. GRCh37 (hg19) VCF-style: chr19-41925063-C-T.
Other names: c.508C>T, p.Pro170Ser (NM_001164783.2); short protein forms P170S.
Identifiers: ClinVar variation 1053503 (VCV001053503.4), dbSNP rs34956071, ClinGen allele CA9461191.
Genomic context (GRCh38, chr19:41,419,158, plus strand): 5'-TGCCCACTCGGCTAACCATTGCCTCCTCCCCTCCTAGGTGTGCTGATGTATCGGGACTAC[C>T]CCCTGGAACTATTCATGGCCCAGTGCTATGGCAACATCAGTGACTTGGGCAAGGGGCGCC-3'
Protein context (NP_000700.1, residues 160-180): EAGVLMYRDY[Pro170Ser]LELFMAQCYG

ClinVar aggregate classification (germline): Uncertain significance. Review status: criteria provided, multiple submitters, no conflicts (2 of 4 stars). 3 submissions from 3 submitters: Uncertain significance (2). 1 of the submissions does not count toward it. Last evaluated 2024-01-11.

Conditions:
Maple syrup urine disease type 1A (MSUD1A). Also called: MSUD type 1A. Identifiers: MedGen C1855369, MONDO:0023691, OMIM 248600.
Maple syrup urine disease (MSUD). Identifiers: Orphanet 511, MedGen C0024776, MeSH D008375, MONDO:0009563. Disease mechanism: loss of function.

Allele frequency attached by ClinVar (database versions not stated): TOPMed below 0.00001; ExAC 0.00002; gnomAD exomes 0.00002 and 0.00003.
gnomAD v4.1: 41 of 1,614,212 alleles (0.0025%); highest among the groups gnomAD compares: Middle Eastern, 0.016%; no homozygotes.

Submissions (3):

Women's Health and Genetics/Laboratory Corporation of America, LabCorp
Classification: Uncertain significance. Last evaluated: 2024-01-11. Review status: criteria provided, single submitter. Criteria: LabCorp Variant Classification Summary - May 2015. Collection method: clinical testing. Allele origin: germline.

Labcorp Genetics (formerly Invitae), Labcorp
Classification: Uncertain significance for Maple syrup urine disease. Last evaluated: 2022-03-01. Review status: criteria provided, single submitter. Criteria: Invitae Variant Classification Sherloc (09022015). Collection method: clinical testing. Allele origin: germline.
Comment: This sequence change replaces proline, which is neutral and non-polar, with serine, which is neutral and polar, at codon 170 of the BCKDHA protein (p.Pro170Ser). This variant is present in population databases (rs34956071, gnomAD 0.006%). This variant has not been reported in the literature in individuals affected with BCKDHA-related conditions. ClinVar contains an entry for this variant (Variation ID: 1053503). Advanced modeling of protein sequence and biophysical properties (such as structural, functional, and spatial information, amino acid conservation, physicochemical variation, residue mobility, and thermodynamic stability) performed at Invitae indicates that this missense variant is not expected to disrupt BCKDHA protein function. In summary, the available evidence is currently insufficient to determine the role of this variant in disease. Therefore, it has been classified as a Variant of Uncertain Significance.

Natera, Inc.
Classification: Uncertain significance for Maple syrup urine disease type 1A. Last evaluated: 2021-04-16. Review status: no assertion criteria provided. Collection method: clinical testing. Allele origin: germline. Not counted in ClinVar's aggregate classification.